The following is an entry in ClinVar:

ClinVar aggregate classification (germline): Conflicting classifications of pathogenicity. Review status: criteria provided, conflicting classifications (1 of 4 stars). 6 submissions from 6 submitters: Uncertain significance (2); Benign (2); Likely benign (1). 1 of the submissions does not count toward it. Last evaluated 2025-11-25.

Conditions:
Inborn genetic diseases. Identifiers: MedGen C0950123, MeSH D030342.
FERMT3-related disorder. Also called: FERMT3-related condition.
Leukocyte adhesion deficiency 3. Also called: Leukocyte adhesion deficiency, type III; INTEGRIN ACTIVATION DEFICIENCY DISEASE; LEUKOCYTE ADHESION DEFICIENCY 1 VARIANT. Identifiers: Orphanet 2968, Orphanet 99844, MedGen C2748536, MONDO:0013016, OMIM 612840.

Allele frequency attached by ClinVar (database versions not stated): gnomAD exomes 0.00014 and 0.00039; ExAC 0.00056; ESP Exome Variant Server 0.00131; gnomAD 0.00142 and 0.00146; TOPMed 0.00165; 1000 Genomes Project 30x 0.00219; 1000 Genomes Project 0.00240.

Submissions (6):

Labcorp Genetics (formerly Invitae), Labcorp
Classification: Benign for Leukocyte adhesion deficiency 3. Last evaluated: 2025-11-25. Review status: criteria provided, single submitter. Criteria: Invitae Variant Classification Sherloc (09022015). Collection method: clinical testing. Allele origin: germline.

Blueprint Genetics
Classification: Likely benign. Last evaluated: 2024-11-13. Review status: criteria provided, single submitter. Criteria: ACMG Guidelines, 2015. Collection method: clinical testing. Allele origin: germline.

Women's Health and Genetics/Laboratory Corporation of America, LabCorp
Classification: Uncertain significance. Last evaluated: 2023-08-22. Review status: criteria provided, single submitter. Criteria: LabCorp Variant Classification Summary - May 2015. Collection method: clinical testing. Allele origin: germline.
Comment: Variant summary: FERMT3 c.527C>T (p.Ala176Val) results in a non-conservative amino acid change located in the Band 4.1 domain (IPR019749) of the encoded protein sequence. Four of five in-silico tools predict a benign effect of the variant on protein function. The variant allele was found at a frequency of 0.00039 in 246880 control chromosomes in the gnomAD database, including 1 homozygote. To our knowledge, no occurrence of c.527C>T in individuals affected with Leukocyte Adhesion Deficiency, Type III and no experimental evidence demonstrating its impact on protein function have been reported. Two submitters have cited clinical-significance assessments for this variant to ClinVar after 2014. One submitter classified the variant as benign, and one submitter classified the variant as uncertain significance. Based on the evidence outlined above, the variant was classified as uncertain significance.

Ambry Genetics
Classification: Uncertain significance for Inborn genetic diseases. Last evaluated: 2021-10-14. Review status: criteria provided, single submitter. Criteria: Ambry Variant Classification Scheme 2023. Collection method: clinical testing. Allele origin: germline.

Breakthrough Genomics
Classification: Benign. Review status: criteria provided, single submitter. Criteria: ACMG Guidelines, 2015. Collection method: not provided. Allele origin: germline. Inheritance: Autosomal recessive inheritance. Affected: yes.

PreventionGenetics, part of Exact Sciences
Classification: Likely benign for FERMT3-related condition. Last evaluated: 2020-08-10. Review status: no assertion criteria provided. Collection method: clinical testing. Allele origin: germline. Not counted in ClinVar's aggregate classification.
Comment: This variant is classified as likely benign based on ACMG/AMP sequence variant interpretation guidelines (Richards et al. 2015 PMID: 25741868, with internal and published modifications).

NM_031471.6(FERMT3):c.527C>T (p.Ala176Val)

Gene: FERMT3 (FERM domain containing kindlin 3; plus strand). Cytogenetic location: 11q13.1.
Variant type: single nucleotide variant.
Coding change: c.527C>T on transcript NM_031471.6 (MANE Select); coding-DNA position 527, C replaced by T.
Protein change: p.Ala176Val; replaces alanine 176 with valine.
Molecular consequence: missense variant. On other transcripts: 5 prime UTR variant (2).
Genome position (GRCh38, 1-based): chr11:64,211,287, C>T. VCF-style: chr11-64211287-C-T. GRCh37 (hg19) VCF-style: chr11-63978759-C-T.
Other names: c.527C>T, p.Ala176Val (NM_001382361.1, NM_001382362.1, NM_001382448.1 and 1 more transcripts); c.-14C>T (NM_001382363.1, NM_001382364.1); short protein forms A176V.
Identifiers: ClinVar variation 707861 (VCV000707861.16), dbSNP rs113348354, ClinGen allele CA6068805.
Genomic context (GRCh38, chr11:64,211,287, plus strand): 5'-TCCCAGCCCTGGGGGACAGGCCTGGTTGACTCCCAACCTGCACTCCAGGCGTGGCACCTG[C>T]ACTGTTCCGGGGGATGCCAGCTCACTTCTCGGACAGCGCCCAGACTGAGGCCTGCTACCA-3'
Protein context (NP_113659.3, residues 166-186): KVVLAGGVAP[Ala176Val]LFRGMPAHFS